The following is an entry in ClinVar:

NM_001367624.2(ZNF469):c.7136A>G (p.Asp2379Gly)

Gene: ZNF469 (zinc finger protein 469; plus strand). Cytogenetic location: 16q24.2.
Variant type: single nucleotide variant.
Coding change: c.7136A>G on transcript NM_001367624.2 (MANE Select); coding-DNA position 7136, A replaced by G.
Protein change: p.Asp2379Gly; replaces aspartic acid 2379 with glycine.
Molecular consequence: missense variant.
Genome position (GRCh38, 1-based): chr16:88,434,606, A>G. VCF-style: chr16-88434606-A-G. GRCh37 (hg19) VCF-style: chr16-88501014-A-G.
Other names: short protein forms D2379G.
Identifiers: ClinVar variation 2135038 (VCV002135038.4), dbSNP rs1438602249, ClinGen allele CA397108619.

ClinVar aggregate classification (germline): Uncertain significance (1 of 4 stars; one submission).

Submission:

Labcorp Genetics (formerly Invitae), Labcorp
Classification: Uncertain significance. Last evaluated: 2022-05-07. Review status: criteria provided, single submitter. Criteria: Invitae Variant Classification Sherloc (09022015). Collection method: clinical testing. Allele origin: germline.
Comment: This sequence change replaces aspartic acid, which is acidic and polar, with glycine, which is neutral and non-polar, at codon 2351 of the ZNF469 protein (p.Asp2351Gly). In summary, the available evidence is currently insufficient to determine the role of this variant in disease. Therefore, it has been classified as a Variant of Uncertain Significance. Algorithms developed to predict the effect of missense changes on protein structure and function output the following: SIFT: "Tolerated"; PolyPhen-2: "Benign"; Align-GVGD: "Class C0". The glycine amino acid residue is found in multiple mammalian species, which suggests that this missense change does not adversely affect protein function. This variant has not been reported in the literature in individuals affected with ZNF469-related conditions. This variant is not present in population databases (gnomAD no frequency).